The following is an entry in ClinVar:

ClinVar aggregate classification (germline): Uncertain significance. Review status: criteria provided, multiple submitters, no conflicts (2 of 4 stars). 3 submissions from 3 submitters: Uncertain significance (3). Last evaluated 2025-01-17.

Conditions:
SETD5-related disorder. Also called: SETD5-related disorders; SETD5-related condition.

Allele frequency attached by ClinVar (database versions not stated): gnomAD 0.00001; TOPMed 0.00001.

Submissions (3):

Labcorp Genetics (formerly Invitae), Labcorp
Classification: Uncertain significance. Last evaluated: 2025-01-17. Review status: criteria provided, single submitter. Criteria: Invitae Variant Classification Sherloc (09022015). Collection method: clinical testing. Allele origin: germline.
Comment: This sequence change replaces arginine, which is basic and polar, with serine, which is neutral and polar, at codon 1190 of the SETD5 protein (p.Arg1190Ser). This variant is present in population databases (no rsID available, gnomAD 0.01%). This variant has not been reported in the literature in individuals affected with SETD5-related conditions. ClinVar contains an entry for this variant (Variation ID: 1310647). Invitae Evidence Modeling of protein sequence and biophysical properties (such as structural, functional, and spatial information, amino acid conservation, physicochemical variation, residue mobility, and thermodynamic stability) indicates that this missense variant is not expected to disrupt SETD5 protein function with a negative predictive value of 80%. In summary, the available evidence is currently insufficient to determine the role of this variant in disease. Therefore, it has been classified as a Variant of Uncertain Significance.

PreventionGenetics, part of Exact Sciences
Classification: Uncertain significance for SETD5-related condition. Last evaluated: 2023-02-07. Review status: criteria provided, single submitter. Criteria: ACMG Guidelines, 2015. Collection method: clinical testing. Allele origin: germline.
Comment: The SETD5 c.3570G>C variant is predicted to result in the amino acid substitution p.Arg1190Ser. To our knowledge, this variant has not been reported in the literature. This variant is reported in 0.012% of alleles in individuals of African descent in gnomAD. At this time, the clinical significance of this variant is uncertain due to the absence of conclusive functional and genetic evidence.

GeneDx
Classification: Uncertain significance. Last evaluated: 2019-12-03. Review status: criteria provided, single submitter. Criteria: GeneDx Variant Classification Process June 2021. Collection method: clinical testing. Allele origin: germline. Affected: yes.
Comment: Not observed at a significant frequency in large population cohorts (Lek et al., 2016); In silico analysis, which includes protein predictors and evolutionary conservation, supports that this variant does not alter protein structure/function; Has not been previously published as pathogenic or benign to our knowledge

NM_001080517.3(SETD5):c.3570G>C (p.Arg1190Ser)

Gene: SETD5 (SET domain containing 5; plus strand). Cytogenetic location: 3p25.3.
Variant type: single nucleotide variant.
Coding change: c.3570G>C on transcript NM_001080517.3 (MANE Select); coding-DNA position 3570, G replaced by C.
Protein change: p.Arg1190Ser; replaces arginine 1190 with serine.
Molecular consequence: missense variant.
Genome position (GRCh38, 1-based): chr3:9,474,521, G>C. VCF-style: chr3-9474521-G-C. GRCh37 (hg19) VCF-style: chr3-9516205-G-C.
Other names: c.3570G>C (NM_001080517.2); c.3276G>C, p.Arg1092Ser (NM_001292043.2, NM_001349451.2); short protein forms R1092S, R1190S.
Identifiers: ClinVar variation 1310647 (VCV001310647.5), dbSNP rs766887105, ClinGen allele CA69951511.